The following is an entry in ClinVar:

NM_006059.4(LAMC3):c.1383A>T (p.Arg461Ser)

Gene: LAMC3 (laminin subunit gamma 3; plus strand). Cytogenetic location: 9q34.12.
Variant type: single nucleotide variant.
Coding change: c.1383A>T on transcript NM_006059.4 (MANE Select); coding-DNA position 1383, A replaced by T.
Protein change: p.Arg461Ser; replaces arginine 461 with serine.
Molecular consequence: missense variant.
Genome position (GRCh38, 1-based): chr9:131,045,524, A>T. VCF-style: chr9-131045524-A-T. GRCh37 (hg19) VCF-style: chr9-133920911-A-T.
Other names: short protein forms R461S.
Identifiers: ClinVar variation 1395588 (VCV001395588.6), dbSNP rs1224417594, ClinGen allele CA375261461.

ClinVar aggregate classification (germline): Uncertain significance (1 of 4 stars; one submission).

Allele frequency attached by ClinVar (database versions not stated): TOPMed below 0.00001; gnomAD 0.00001.
gnomAD v4.1: 2 of 1,613,312 alleles (0.00012%); highest among the groups gnomAD compares: African/African-American, 0.0027%; no homozygotes.

Submission:

Labcorp Genetics (formerly Invitae), Labcorp
Classification: Uncertain significance. Last evaluated: 2024-03-02. Review status: criteria provided, single submitter. Criteria: Invitae Variant Classification Sherloc (09022015). Collection method: clinical testing. Allele origin: germline.
Comment: This sequence change replaces arginine, which is basic and polar, with serine, which is neutral and polar, at codon 461 of the LAMC3 protein (p.Arg461Ser). This variant is not present in population databases (gnomAD no frequency). This variant has not been reported in the literature in individuals affected with LAMC3-related conditions. ClinVar contains an entry for this variant (Variation ID: 1395588). An algorithm developed to predict the effect of missense changes on protein structure and function (PolyPhen-2) suggests that this variant is likely to be disruptive. Algorithms developed to predict the effect of sequence changes on RNA splicing suggest that this variant may disrupt the consensus splice site. In summary, the available evidence is currently insufficient to determine the role of this variant in disease. Therefore, it has been classified as a Variant of Uncertain Significance.